The following is an entry in ClinVar:

ClinVar aggregate classification (germline): Uncertain significance. Review status: criteria provided, multiple submitters, no conflicts (2 of 4 stars). 2 submissions from 2 submitters: Uncertain significance (2). Last evaluated 2023-11-22.

Allele frequency attached by ClinVar (database versions not stated): gnomAD 0.00001; TOPMed 0.00002; gnomAD exomes 0.00003; ExAC 0.00012.
gnomAD v4.1: 49 of 1,606,984 alleles (0.003%); highest among the groups gnomAD compares: Non-Finnish European, 0.0038%; no homozygotes.

Submissions (2):

Mayo Clinic Laboratories, Mayo Clinic
Classification: Uncertain significance. Last evaluated: 2023-11-22. Review status: criteria provided, single submitter. Criteria: ACMG Guidelines, 2015. Collection method: clinical testing. Allele origin: germline. Observed: 1 variant allele.
Comment: BP4

Labcorp Genetics (formerly Invitae), Labcorp
Classification: Uncertain significance. Last evaluated: 2022-03-26. Review status: criteria provided, single submitter. Criteria: Invitae Variant Classification Sherloc (09022015). Collection method: clinical testing. Allele origin: germline.
Comment: This sequence change replaces alanine, which is neutral and non-polar, with threonine, which is neutral and polar, at codon 502 of the WDR1 protein (p.Ala502Thr). This variant is present in population databases (rs749520055, gnomAD 0.008%). This variant has not been reported in the literature in individuals affected with WDR1-related conditions. Algorithms developed to predict the effect of missense changes on protein structure and function (SIFT, PolyPhen-2, Align-GVGD) all suggest that this variant is likely to be tolerated. In summary, the available evidence is currently insufficient to determine the role of this variant in disease. Therefore, it has been classified as a Variant of Uncertain Significance.

NM_017491.5(WDR1):c.1504G>A (p.Ala502Thr)

Gene: WDR1 (WD repeat domain 1; minus strand). Cytogenetic location: 4p16.1.
Variant type: single nucleotide variant.
Coding change: c.1504G>A on transcript NM_017491.5 (MANE Select); coding-DNA position 1504, G replaced by A.
Protein change: p.Ala502Thr; replaces alanine 502 with threonine.
Molecular consequence: missense variant.
Genome position (GRCh38, 1-based): chr4:10,077,818, C>T on the plus strand (G>A on the coding strand, the complement: WDR1 is on the minus strand). VCF-style: chr4-10077818-C-T. GRCh37 (hg19) VCF-style: chr4-10079442-C-T.
Other names: p.Ala502Thr; c.1084G>A, p.Ala362Thr (NM_005112.5); short protein forms A362T, A502T.
Identifiers: ClinVar variation 2184799 (VCV002184799.2), dbSNP rs749520055, ClinGen allele CA2857543.